The following is an entry in ClinVar:

ClinVar aggregate classification (germline): Conflicting classifications of pathogenicity. Review status: criteria provided, conflicting classifications (1 of 4 stars). 17 submissions from 13 submitters: Uncertain significance (3); Benign (7); Likely benign (6). 1 of the submissions does not count toward it. Last evaluated 2026-02-04.

Conditions:
Dilated cardiomyopathy 1G (CMD1G). Identifiers: Orphanet 154, MedGen C1858763, MONDO:0011400, OMIM 604145.
Autosomal recessive limb-girdle muscular dystrophy type 2J (LGMDR10). Also called: MUSCULAR DYSTROPHY, LIMB-GIRDLE, AUTOSOMAL RECESSIVE 10; Limb-girdle muscular dystrophy, type 2J. Identifiers: Orphanet 140922, MedGen C1837342, MONDO:0012127, OMIM 608807.
TTN-related disorder. Also called: TTN-related disorders; TTN-related condition; TTN-related disease.
Cardiovascular phenotype. Identifiers: MedGen CN230736.
Early-onset myopathy with fatal cardiomyopathy (CMYO5). Also called: CONGENITAL MYOPATHY 5 WITH CARDIOMYOPATHY; Salih Myopathy. Identifiers: Orphanet 289377, MedGen C2673677, MONDO:0012714, OMIM 611705. Disease mechanism: loss of function.
Myopathy, myofibrillar, 9, with early respiratory failure (MFM9). Also called: Myopathy, distal, with early respiratory failure, autosomal dominant; Hereditary myopathy with early respiratory failure; MYOPATHY, PROXIMAL, WITH EARLY RESPIRATORY MUSCLE INVOLVEMENT; EDSTROM MYOPATHY. Identifiers: Orphanet 178464, Orphanet 34521, MedGen C1863599, MONDO:0011362, OMIM 603689.
Tibial muscular dystrophy (TMD). Also called: Udd Distal Myopathy – Tibial Muscular Dystrophy; Tibial muscular dystrophy, tardive; UDD MYOPATHY. Identifiers: Orphanet 609, MedGen C1838244, MONDO:0010870, OMIM 600334.

Allele frequency attached by ClinVar (database versions not stated): gnomAD exomes 0.00020 and 0.00047; ExAC 0.00058; 1000 Genomes Project 0.00280; ESP Exome Variant Server 0.00206; 1000 Genomes Project 30x 0.00265; gnomAD 0.00247 and 0.00267; TOPMed 0.00277.
gnomAD v4.1: 685 of 1,612,980 alleles (0.042%); highest among the groups gnomAD compares: African/African-American, 0.8%; 2 homozygotes.

Submissions (17):

Labcorp Genetics (formerly Invitae), Labcorp
Classification: Benign for Dilated cardiomyopathy 1G; Autosomal recessive limb-girdle muscular dystrophy type 2J. Last evaluated: 2026-02-04. Review status: criteria provided, single submitter. Criteria: Invitae Variant Classification Sherloc (09022015). Collection method: clinical testing. Allele origin: germline.

Molecular Diagnostic Laboratory for Inherited Cardiovascular Disease, Montreal Heart Institute
Classification: Benign. Last evaluated: 2025-04-09. Review status: criteria provided, single submitter. Criteria: ACMG Guidelines, 2015. Collection method: clinical testing. Allele origin: germline. Affected: no.

Blueprint Genetics
Classification: Likely benign. Last evaluated: 2024-11-25. Review status: criteria provided, single submitter. Criteria: ACMG Guidelines, 2015. Collection method: clinical testing. Allele origin: germline.

Mayo Clinic Laboratories, Mayo Clinic
Classification: Likely benign. Last evaluated: 2024-10-04. Review status: criteria provided, single submitter. Criteria: ACMG Guidelines, 2015. Collection method: clinical testing. Allele origin: germline. Observed: 6 variant alleles.

Athena Diagnostics
Classification: Benign. Last evaluated: 2024-04-12. Review status: criteria provided, single submitter. Criteria: Athena Diagnostics Criteria. Collection method: clinical testing. Allele origin: unknown.

ARUP Laboratories, Molecular Genetics and Genomics, ARUP Laboratories
Classification: Likely benign. Last evaluated: 2023-10-16. Review status: criteria provided, single submitter. Criteria: ARUP Molecular Germline Variant Investigation Process 2024. Collection method: clinical testing. Allele origin: germline.

Women's Health and Genetics/Laboratory Corporation of America, LabCorp
Classification: Likely benign. Last evaluated: 2022-06-16. Review status: criteria provided, single submitter. Criteria: LabCorp Variant Classification Summary - May 2015. Collection method: clinical testing. Allele origin: germline.

Ambry Genetics
Classification: Likely benign for Cardiovascular phenotype. Last evaluated: 2018-12-28. Review status: criteria provided, single submitter. Criteria: Ambry Variant Classification Scheme 2023. Collection method: clinical testing. Allele origin: germline.

Illumina Laboratory Services, Illumina
Classification: Benign for Tibial muscular dystrophy. Last evaluated: 2018-01-13. Review status: criteria provided, single submitter. Criteria: ICSL Variant Classification Criteria 13 December 2019. Collection method: clinical testing. Allele origin: germline.
Comment: This variant was observed in the ICSL laboratory as part of a predisposition screen in an ostensibly healthy population. It had not been previously curated by ICSL or reported in the Human Gene Mutation Database (HGMD: prior to June 1st, 2018), and was therefore a candidate for classification through an automated scoring system. Utilizing variant allele frequency, disease prevalence and penetrance estimates, and inheritance mode, an automated score was calculated to assess if this variant is too frequent to cause the disease. Based on the score and internal cut-off values, a variant classified as benign is not then subjected to further curation. The score for this variant resulted in a classification of benign for this disease.

Illumina Laboratory Services, Illumina
Classification: Uncertain significance for Autosomal recessive limb-girdle muscular dystrophy type 2J. Last evaluated: 2018-01-13. Review status: criteria provided, single submitter. Criteria: ICSL Variant Classification Criteria 13 December 2019. Collection method: clinical testing. Allele origin: germline.

Illumina Laboratory Services, Illumina
Classification: Uncertain significance for Dilated cardiomyopathy 1G. Last evaluated: 2018-01-13. Review status: criteria provided, single submitter. Criteria: ICSL Variant Classification Criteria 13 December 2019. Collection method: clinical testing. Allele origin: germline.

Illumina Laboratory Services, Illumina
Classification: Uncertain significance for Early-onset myopathy with fatal cardiomyopathy. Last evaluated: 2018-01-13. Review status: criteria provided, single submitter. Criteria: ICSL Variant Classification Criteria 13 December 2019. Collection method: clinical testing. Allele origin: germline.

Illumina Laboratory Services, Illumina
Classification: Benign for Myopathy, myofibrillar, 9, with early respiratory failure. Last evaluated: 2018-01-13. Review status: criteria provided, single submitter. Criteria: ICSL Variant Classification Criteria 13 December 2019. Collection method: clinical testing. Allele origin: germline.
Comment: the same text as in the submission from Illumina Laboratory Services, Illumina above.

Laboratory for Molecular Medicine, Mass General Brigham Personalized Medicine
Classification: Likely benign. Last evaluated: 2016-05-11. Review status: criteria provided, single submitter. Criteria: LMM Criteria. Collection method: clinical testing. Allele origin: germline. Observed: 7 variant alleles.
Comment: p.Ile15948Thr in exon 236 of TTN: This variant is not expected to have clinical significance because it has been identified in 0.7% (68/9794) of African chromos omes by the Exome Aggregation Consortium (ExAC; dbSNP rs146608896).

Eurofins Ntd Llc (ga)
Classification: Benign. Last evaluated: 2015-10-20. Review status: criteria provided, single submitter. Criteria: EGL Classification Definitions 2015. Collection method: clinical testing. Allele origin: germline. Observed: 1 variant allele, 1 heterozygote.

GeneDx
Classification: Benign. Last evaluated: 2014-07-08. Review status: criteria provided, single submitter. Criteria: GeneDx Variant Classification (06012015). Collection method: clinical testing. Allele origin: germline. Affected: yes.
Comment: This variant is considered likely benign or benign based on one or more of the following criteria: it is a conservative change, it occurs at a poorly conserved position in the protein, it is predicted to be benign by multiple in silico algorithms, and/or has population frequency not consistent with disease.

PreventionGenetics, part of Exact Sciences
Classification: Benign for TTN-related condition. Last evaluated: 2024-06-21. Review status: no assertion criteria provided. Collection method: clinical testing. Allele origin: germline. Not counted in ClinVar's aggregate classification.
Comment: This variant is classified as benign based on ACMG/AMP sequence variant interpretation guidelines (Richards et al. 2015 PMID: 25741868, with internal and published modifications).

Literature cited by the submitters: PubMed 26516846 (cited by Athena Diagnostics).

NM_001267550.2(TTN):c.55547T>C (p.Ile18516Thr)

Genes: TTN-AS1 (TTN antisense RNA 1; plus strand), TTN (titin; minus strand). Cytogenetic location: 2q31.2.
Variant type: single nucleotide variant.
Coding change: c.55547T>C on transcript NM_001267550.2 (MANE Select); coding-DNA position 55547, T replaced by C.
Protein change: p.Ile18516Thr; replaces isoleucine 18516 with threonine.
Molecular consequence: missense variant.
Genome position (GRCh38, 1-based): chr2:178,601,450, A>G on the plus strand (T>C on the coding strand, the complement: TTN is on the minus strand). VCF-style: chr2-178601450-A-G. GRCh37 (hg19) VCF-style: chr2-179466177-A-G.
Other names: p.I16875T:ATT>ACT; c.50624T>C, p.Ile16875Thr (NM_001256850.1); c.28352T>C, p.Ile9451Thr (NM_003319.4); c.47843T>C, p.Ile15948Thr (NM_133378.4); c.28727T>C, p.Ile9576Thr (NM_133432.3); c.28928T>C, p.Ile9643Thr (NM_133437.4); short protein forms I18516T, I15948T, I16875T, I9451T, I9576T, I9643T.
Identifiers: ClinVar variation 47105 (VCV000047105.38), dbSNP rs146608896, ClinGen allele CA283460.
Genomic context (GRCh38, chr2:178,601,450, plus strand): 5'-GTGCTTCCACAGTCTGGATTGACTTTGGTCCAGGCTTTTCCATCAATAGTCCTCTTCTCA[A>G]TAACATAGCCTTTGATCCTGTCTCCTCCATCGTCGTCTGGCATCTTCCATGAAAGTCTGC-3'
Protein context (NP_001254479.2, residues 18506-18526): DGGDRIKGYV[Ile18516Thr]EKRTIDGKAW